The following is an entry in ClinVar:

NM_000157.4(GBA1):c.1505+2T>C

Genes: GBA1 (glucosylceramidase beta 1; minus strand), LOC106627981 (GBA recombination region; plus strand). Cytogenetic location: 1q22.
Variant type: single nucleotide variant.
Coding change: c.1505+2T>C on transcript NM_000157.4 (MANE Select); the canonical splice donor site of the intron after coding-DNA position 1505, T replaced by C.
Molecular consequence: splice donor variant.
Genome position (GRCh38, 1-based): chr1:155,235,193, A>G on the plus strand (T>C on the coding strand, the complement: GBA1 is on the minus strand). VCF-style: chr1-155235193-A-G. GRCh37 (hg19) VCF-style: chr1-155204984-A-G.
Other names: c.1244+2T>C (NM_001171811.2); c.1505+2T>C (NM_001005742.3, NM_001005741.3); c.1358+2T>C (NM_001171812.2).
Identifiers: ClinVar variation 2579610 (VCV002579610.3), dbSNP rs2148070287, ClinGen allele CA342710725.

ClinVar aggregate classification (germline): Pathogenic (1 of 4 stars; one submission).

Submission:

GeneDx
Classification: Pathogenic. Last evaluated: 2024-10-01. Review status: criteria provided, single submitter. Criteria: GeneDx Variant Classification Process June 2021. Collection method: clinical testing. Allele origin: germline. Affected: yes.
Comment: Canonical splice site variant expected to result in aberrant splicing, although in the absence of functional evidence the actual effect of this sequence change is unknown.; Not observed at significant frequency in large population cohorts (gnomAD); Has not been previously published as pathogenic or benign to our knowledge